The following is an entry in ClinVar:

NM_001276270.2(MBD4):c.934A>G (p.Lys312Glu)

Gene: MBD4 (methyl-CpG binding domain 4, DNA glycosylase; minus strand). Cytogenetic location: 3q21.3.
Variant type: single nucleotide variant.
Coding change: c.934A>G on transcript NM_001276270.2 (MANE Select); coding-DNA position 934, A replaced by G.
Protein change: p.Lys312Glu; replaces lysine 312 with glutamic acid.
Molecular consequence: missense variant. On other transcripts: intron variant (1).
Genome position (GRCh38, 1-based): chr3:129,436,710, T>C on the plus strand (A>G on the coding strand, the complement: MBD4 is on the minus strand). VCF-style: chr3-129436710-T-C. GRCh37 (hg19) VCF-style: chr3-129155553-T-C.
Other names: c.934A>G, p.Lys312Glu (NM_001276271.2, NM_001276272.2, NM_003925.3); c.247+1098A>G (NM_001276273.2); short protein forms K312E.
Identifiers: ClinVar variation 2703861 (VCV002703861.3), dbSNP rs2530719391, ClinGen allele CA354466929.
Genomic context (GRCh38, chr3:129,436,710, plus strand): 5'-TGCCAGAAGTTTTTTGTTCAGAACAAAAATTTGATCCTGAACTCAATGATCTTTCTTTTT[T>C]TTTTACAAGGCTGTTTTCTTCACTGGTCACACTGAGGGTCTCACCACATGCTCCAGCATC-3'
Protein context (NP_001263199.1, residues 302-322): VTSEENSLVK[Lys312Glu]KERSLSSGSN

ClinVar aggregate classification (germline): Uncertain significance (1 of 4 stars; one submission).

Submission:

Labcorp Genetics (formerly Invitae), Labcorp
Classification: Uncertain significance. Last evaluated: 2024-08-10. Review status: criteria provided, single submitter. Criteria: Invitae Variant Classification Sherloc (09022015). Collection method: clinical testing. Allele origin: germline.
Comment: This sequence change replaces lysine, which is basic and polar, with glutamic acid, which is acidic and polar, at codon 312 of the MBD4 protein (p.Lys312Glu). This variant is not present in population databases (gnomAD no frequency). This variant has not been reported in the literature in individuals affected with MBD4-related conditions. Experimental studies and prediction algorithms are not available or were not evaluated, and the functional significance of this variant is currently unknown. In summary, the available evidence is currently insufficient to determine the role of this variant in disease. Therefore, it has been classified as a Variant of Uncertain Significance.